The following is an entry in ClinVar:

NM_000317.3(PTS):c.149G>A (p.Gly50Glu)

Gene: PTS (6-pyruvoyltetrahydropterin synthase; plus strand). Cytogenetic location: 11q23.1.
Variant type: single nucleotide variant.
Coding change: c.149G>A on transcript NM_000317.3 (MANE Select); coding-DNA position 149, G replaced by A.
Protein change: p.Gly50Glu; replaces glycine 50 with glutamic acid.
Molecular consequence: missense variant.
Genome position (GRCh38, 1-based): chr11:112,228,659, G>A. VCF-style: chr11-112228659-G-A. GRCh37 (hg19) VCF-style: chr11-112099382-G-A.
Other names: short protein forms G50E.
Identifiers: ClinVar variation 1476325 (VCV001476325.8), dbSNP rs2135408273, ClinGen allele CA382627104.

ClinVar aggregate classification (germline): Uncertain significance (1 of 4 stars; one submission).

Conditions:
6-Pyruvoyl-tetrahydrobiopterin synthase deficiency. Also called: Hyperphenylalanemia, BH4-deficient, A; Hyperphenylalaninemia due to 6-pyruvoyl-tetrahydropterin synthase deficiency; 6-Pyruvoyltetrahydropterin Synthase Deficiency; HYPERPHENYLALANINEMIA, TETRAHYDROBIOPTERIN-DEFICIENT, DUE TO PTS DEFICIENCY; BH4-deficient hyperphenylalaninemia A; PTS-Related Tetrahydrobiopterin Deficiency. Identifiers: Orphanet 13, Orphanet 238583, MedGen C0878676, MONDO:0009863, OMIM 261640.

Submission:

Labcorp Genetics (formerly Invitae), Labcorp
Classification: Uncertain significance for 6-Pyruvoyl-tetrahydrobiopterin synthase deficiency. Last evaluated: 2021-02-17. Review status: criteria provided, single submitter. Criteria: Invitae Variant Classification Sherloc (09022015). Collection method: clinical testing. Allele origin: germline.
Comment: In summary, the available evidence is currently insufficient to determine the role of this variant in disease. Therefore, it has been classified as a Variant of Uncertain Significance. Algorithms developed to predict the effect of missense changes on protein structure and function (SIFT, PolyPhen-2, Align-GVGD) all suggest that this variant is likely to be disruptive, but these predictions have not been confirmed by published functional studies and their clinical significance is uncertain. This variant has not been reported in the literature in individuals with PTS-related conditions. This variant is not present in population databases (ExAC no frequency). This sequence change replaces glycine with glutamic acid at codon 50 of the PTS protein (p.Gly50Glu). The glycine residue is highly conserved and there is a moderate physicochemical difference between glycine and glutamic acid.